The following is an entry in ClinVar:

ClinVar aggregate classification (germline): Likely benign. Review status: criteria provided, multiple submitters, no conflicts (2 of 4 stars). 2 submissions from 2 submitters: Likely benign (2). Last evaluated 2026-07-01.

Allele frequency attached by ClinVar (database versions not stated): ESP Exome Variant Server 0.00008; TOPMed 0.00010; 1000 Genomes Project 30x 0.00031; 1000 Genomes Project 0.00040.
gnomAD v4.1: 59 of 1,613,372 alleles (0.0037%); highest among the groups gnomAD compares: African/African-American, 0.021%; no homozygotes.

Submissions (2):

CeGaT Center for Human Genetics Tuebingen
Classification: Likely benign. Last evaluated: 2026-07-01. Review status: criteria provided, single submitter. Criteria: CeGaT Center For Human Genetics Tuebingen Variant Classification Criteria Version 2. Collection method: clinical testing. Allele origin: germline. Affected: yes. Observed: 1 variant allele.
Comment: POLR3B: BP4

Labcorp Genetics (formerly Invitae), Labcorp
Classification: Likely benign. Last evaluated: 2021-12-30. Review status: criteria provided, single submitter. Criteria: Invitae Variant Classification Sherloc (09022015). Collection method: clinical testing. Allele origin: germline.

NM_018082.6(POLR3B):c.3273-8C>T

Genes: POLR3B (RNA polymerase III subunit B; plus strand), RFX4-AS1 (RFX4 antisense RNA 1; minus strand). Cytogenetic location: 12q23.3.
Variant type: single nucleotide variant.
Coding change: c.3273-8C>T on transcript NM_018082.6 (MANE Select); 8 bases into the intron before coding-DNA position 3273, C replaced by T.
Molecular consequence: intron variant.
Genome position (GRCh38, 1-based): chr12:106,509,412, C>T. VCF-style: chr12-106509412-C-T. GRCh37 (hg19) VCF-style: chr12-106903190-C-T.
Other names: c.3099-8C>T (NM_001160708.2).
Identifiers: ClinVar variation 1982070 (VCV001982070.5), dbSNP rs369576112, ClinGen allele CA6762456.
Genomic context (GRCh38, chr12:106,509,412, plus strand): 5'-CACTTCCTACGTGGAGGCCTTTGTTTCCGAGTTGCTGTCTGTCTAACGCTTGCTGACTTG[C>T]GTTTCAGGTGCCATTACTGCAAGTCATCCTGCCACGTGTCTTCCCTCCGTATTCCGTATG-3'